The following is an entry in ClinVar:

ClinVar aggregate classification (germline): Uncertain significance (1 of 4 stars; one submission).

Submission:

Labcorp Genetics (formerly Invitae), Labcorp
Classification: Uncertain significance. Last evaluated: 2024-10-22. Review status: criteria provided, single submitter. Criteria: Invitae Variant Classification Sherloc (09022015). Collection method: clinical testing. Allele origin: germline.
Comment: This variant, c.927_944del, results in the deletion of 6 amino acid(s) of the ARID1B protein (p.Gly314_Gly319del), but otherwise preserves the integrity of the reading frame. This variant is not present in population databases (gnomAD no frequency). This variant has not been reported in the literature in individuals affected with ARID1B-related conditions. Experimental studies and prediction algorithms are not available or were not evaluated, and the functional significance of this variant is currently unknown. In summary, the available evidence is currently insufficient to determine the role of this variant in disease. Therefore, it has been classified as a Variant of Uncertain Significance.

NM_001374828.1(ARID1B):c.1170CGG[2] (p.Gly397_Gly402del)

Gene: ARID1B (AT-rich interaction domain 1B; plus strand). Cytogenetic location: 6q25.3.
Variant type: Microsatellite.
Coding change: c.1170CGG[2] on transcript NM_001374828.1 (MANE Select); two copies in a row of the 3-base unit CGG starting at c.1170; the reference has eight copies in a row; six copies, 18 bases deleted.
Protein change: p.Gly397_Gly402del.
Genome position (GRCh38, 1-based): chr6:156,778,856-156,778,873, CGGCGGCGGCGGCGGCGG deleted; deleting any 18 consecutive bases within chr6:156,778,848-156,778,873 gives the same sequence; the position shown is the placement nearest the transcript's 3' end. VCF-style (leftmost placement, unchanged base first): chr6-156778847-GGGCGGCGGCGGCGGCGGC-G. GRCh37 (hg19) VCF-style: chr6-157099981-GGGCGGCGGCGGCGGCGGC-G.
Other names: c.1170CGG[2], p.Gly397_Gly402del (NM_017519.3, NM_001371656.1, NM_001374820.1).
Identifiers: ClinVar variation 3669774 (VCV003669774.2).